The following is an entry in ClinVar:

NM_001382391.1(CSPP1):c.236A>T (p.Asp79Val)

Gene: CSPP1 (centrosome and spindle pole associated protein 1; plus strand). Cytogenetic location: 8q13.1.
Variant type: single nucleotide variant.
Coding change: c.236A>T on transcript NM_001382391.1 (MANE Select); coding-DNA position 236, A replaced by T.
Protein change: p.Asp79Val; replaces aspartic acid 79 with valine.
Molecular consequence: missense variant. On other transcripts: 5 prime UTR variant (1).
Genome position (GRCh38, 1-based): chr8:67,086,043, A>T. VCF-style: chr8-67086043-A-T. GRCh37 (hg19) VCF-style: chr8-67998278-A-T.
Other names: c.-539A>T (NM_001291339.2); c.236A>T, p.Asp79Val (NM_001363131.2, NM_001363132.2, NM_001363133.2); c.344A>T, p.Asp115Val (NM_001364869.1, NM_001364870.1, NM_024790.7); short protein forms D115V, D79V.
Identifiers: ClinVar variation 1994557 (VCV001994557.4), dbSNP rs2488462203, ClinGen allele CA371186648.

ClinVar aggregate classification (germline): Uncertain significance (1 of 4 stars; one submission).

Conditions:
Joubert syndrome 21 (JBTS21). Identifiers: MedGen C3810212, MONDO:0014288, OMIM 615636.

Allele frequency attached by ClinVar (database versions not stated): gnomAD exomes 0.00001.

Submission:

Labcorp Genetics (formerly Invitae), Labcorp
Classification: Uncertain significance for Joubert syndrome 21. Last evaluated: 2022-05-15. Review status: criteria provided, single submitter. Criteria: Invitae Variant Classification Sherloc (09022015). Collection method: clinical testing. Allele origin: germline.
Comment: In summary, the available evidence is currently insufficient to determine the role of this variant in disease. Therefore, it has been classified as a Variant of Uncertain Significance. Algorithms developed to predict the effect of missense changes on protein structure and function are either unavailable or do not agree on the potential impact of this missense change (SIFT: "Deleterious"; PolyPhen-2: "Possibly Damaging"; Align-GVGD: "Class C0"). This variant has not been reported in the literature in individuals affected with CSPP1-related conditions. This variant is not present in population databases (gnomAD no frequency). This sequence change replaces aspartic acid, which is acidic and polar, with valine, which is neutral and non-polar, at codon 115 of the CSPP1 protein (p.Asp115Val).